The following is an entry in ClinVar:

ClinVar aggregate classification (germline): Uncertain significance (1 of 4 stars; one submission).

Conditions:
Generalized epilepsy-paroxysmal dyskinesia syndrome (PNKD3). Also called: Generalized epilepsy and paroxysmal dyskinesia; Paroxysmal nonkinesigenic dyskinesia, 3, with or without generalized epilepsy. Identifiers: Orphanet 79137, MedGen C5574945, MONDO:0012276, OMIM 609446.

gnomAD v4.1: 1 of 1,613,846 alleles (0.000062%); highest among the groups gnomAD compares: South Asian, 0.0011%; no homozygotes.

Submission:

Labcorp Genetics (formerly Invitae), Labcorp
Classification: Uncertain significance for Generalized epilepsy-paroxysmal dyskinesia syndrome. Last evaluated: 2024-12-02. Review status: criteria provided, single submitter. Criteria: Invitae Variant Classification Sherloc (09022015). Collection method: clinical testing. Allele origin: germline.
Comment: This sequence change replaces glutamine, which is neutral and polar, with histidine, which is basic and polar, at codon 1044 of the KCNMA1 protein (p.Gln1044His). This variant is present in population databases (no rsID available, gnomAD 0.003%). This variant has not been reported in the literature in individuals affected with KCNMA1-related conditions. An algorithm developed to predict the effect of missense changes on protein structure and function (PolyPhen-2) suggests that this variant is likely to be disruptive. In summary, the available evidence is currently insufficient to determine the role of this variant in disease. Therefore, it has been classified as a Variant of Uncertain Significance.

NM_001161352.2(KCNMA1):c.3306G>T (p.Gln1102His)

Genes: KCNMA1-AS1 (KCNMA1 antisense RNA 1; plus strand), KCNMA1 (potassium calcium-activated channel subfamily M alpha 1; minus strand). Cytogenetic location: 10q22.3.
Variant type: single nucleotide variant.
Coding change: c.3306G>T on transcript NM_001161352.2 (MANE Select); coding-DNA position 3306, G replaced by T.
Protein change: p.Gln1102His; replaces glutamine 1102 with histidine.
Molecular consequence: missense variant.
Genome position (GRCh38, 1-based): chr10:76,891,561, C>A on the plus strand (G>T on the coding strand, the complement: KCNMA1 is on the minus strand). VCF-style: chr10-76891561-C-A. GRCh37 (hg19) VCF-style: chr10-78651319-C-A.
Other names: c.3141G>T, p.Gln1047His (NM_001322829.2, NM_001322836.2); c.3132G>T, p.Gln1044His (NM_001322832.2, NM_001410940.1, NM_002247.4); c.3234G>T, p.Gln1078His (NM_001322830.2); c.3225G>T, p.Gln1075His (NM_001322835.2, NM_001322837.2); c.2679G>T, p.Gln893His (NM_001322838.2); c.3144G>T, p.Gln1048His (NM_001014797.3); c.3255G>T, p.Gln1085His (NM_001161353.2); c.2982G>T, p.Gln994His (NM_001271518.2); and 1 more; short protein forms Q1048H, Q1075H, Q893H, Q1044H, Q1047H, Q1078H, Q1074H, Q1085H.
Identifiers: ClinVar variation 3664864 (VCV003664864.2).